The following is an entry in ClinVar:

NM_020884.7(MYH7B):c.4742G>A (p.Arg1581Gln)

Gene: MYH7B (myosin heavy chain 7B; plus strand). Cytogenetic location: 20q11.22.
Variant type: single nucleotide variant.
Coding change: c.4742G>A on transcript NM_020884.7 (MANE Select); coding-DNA position 4742, G replaced by A.
Protein change: p.Arg1581Gln; replaces arginine 1581 with glutamine.
Molecular consequence: missense variant.
Genome position (GRCh38, 1-based): chr20:34,999,867, G>A. VCF-style: chr20-34999867-G-A. GRCh37 (hg19) VCF-style: chr20-33587670-G-A.
Other names: short protein forms R1581Q.
Identifiers: ClinVar variation 3605926 (VCV003605926.2).

ClinVar aggregate classification (germline): Uncertain significance (1 of 4 stars; one submission).

gnomAD v4.1: 11 of 1,613,600 alleles (0.00068%); highest among the groups gnomAD compares: African/African-American, 0.0027%; no homozygotes.

Submission:

Labcorp Genetics (formerly Invitae), Labcorp
Classification: Uncertain significance. Last evaluated: 2024-04-27. Review status: criteria provided, single submitter. Criteria: Invitae Variant Classification Sherloc (09022015). Collection method: clinical testing. Allele origin: germline.
Comment: This sequence change replaces arginine, which is basic and polar, with glutamine, which is neutral and polar, at codon 1623 of the MYH7B protein (p.Arg1623Gln). This variant is present in population databases (rs146431690, gnomAD 0.007%). This variant has not been reported in the literature in individuals affected with MYH7B-related conditions. Advanced modeling of protein sequence and biophysical properties (such as structural, functional, and spatial information, amino acid conservation, physicochemical variation, residue mobility, and thermodynamic stability) performed at Invitae indicates that this missense variant is expected to disrupt MYH7B protein function with a positive predictive value of 80%. In summary, the available evidence is currently insufficient to determine the role of this variant in disease. Therefore, it has been classified as a Variant of Uncertain Significance.